The following is an entry in ClinVar:

ClinVar aggregate classification (germline): Pathogenic (1 of 4 stars; one submission).

Conditions:
Walker-Warburg congenital muscular dystrophy. Also called: Muscular dystrophy-dystroglycanopathy, type A; Walker-Warburg syndrome. Identifiers: Orphanet 899, MedGen C0265221, MONDO:0000171.
Muscular dystrophy-dystroglycanopathy (congenital with impaired intellectual development), type B, 1. Also called: Muscular dystrophy-dystroglycanopathy (congenital with intellectual disability), type B1; MUSCULAR DYSTROPHY, CONGENITAL, POMT1-RELATED. Identifiers: MedGen C5436962, MONDO:0013159, OMIM 613155.
Autosomal recessive limb-girdle muscular dystrophy type 2K. Also called: MUSCULAR DYSTROPHY-DYSTROGLYCANOPATHY (LIMB-GIRDLE), TYPE C, 1; MUSCULAR DYSTROPHY, LIMB-GIRDLE, TYPE 2K. Identifiers: Orphanet 86812, MedGen C1836373, MONDO:0012248, OMIM 609308.

Allele frequency attached by ClinVar (database versions not stated): TOPMed 0.00001; gnomAD exomes below 0.00001; ExAC 0.00001.
gnomAD v4.1: 1 of 1,614,092 alleles (0.000062%); highest among the groups gnomAD compares: African/African-American, 0.0013%; no homozygotes.

Submission:

Labcorp Genetics (formerly Invitae), Labcorp
Classification: Pathogenic for Muscular dystrophy-dystroglycanopathy (congenital with impaired intellectual development), type B, 1; Walker-Warburg congenital muscular dystrophy; Autosomal recessive limb-girdle muscular dystrophy type 2K. Last evaluated: 2025-12-17. Review status: criteria provided, single submitter. Criteria: Invitae Variant Classification Sherloc (09022015). Collection method: clinical testing. Allele origin: germline.
Comment: This sequence change affects a donor splice site in intron 5 of the POMT1 gene. It is expected to disrupt RNA splicing. Variants that disrupt the donor or acceptor splice site typically lead to a loss of protein function (PMID: 16199547), and loss-of-function variants in POMT1 are known to be pathogenic (PMID: 12369018, 15637732, 16575835). This variant is present in population databases (rs760071332, gnomAD 0.007%). Disruption of this splice site has been observed in individual(s) with clinical features of muscular dystrophy-dystroglycanopathy (PMID: 34490615; internal data). In at least one individual the data is consistent with being in trans (on the opposite chromosome) from a pathogenic variant. ClinVar contains an entry for this variant (Variation ID: 1067618). Algorithms developed to predict the effect of sequence changes on RNA splicing suggest that this variant may disrupt the consensus splice site. For these reasons, this variant has been classified as Pathogenic.

Literature cited by the submitters: PubMed 16199547; PubMed 12369018; PubMed 15637732; PubMed 16575835; PubMed 34490615.

NM_001077365.2(POMT1):c.427+1G>A

Gene: POMT1 (protein O-mannosyltransferase 1; plus strand). Cytogenetic location: 9q34.13.
Variant type: single nucleotide variant.
Coding change: c.427+1G>A on transcript NM_001077365.2 (MANE Select); the canonical splice donor site of the intron after coding-DNA position 427, G replaced by A.
Molecular consequence: splice donor variant. On other transcripts: intron variant (3).
Genome position (GRCh38, 1-based): chr9:131,507,515, G>A. VCF-style: chr9-131507515-G-A. GRCh37 (hg19) VCF-style: chr9-134382902-G-A.
Other names: c.265+1G>A (NM_001353198.2, NM_001353194.2, NM_001374689.1 and 3 more transcripts); c.427+1G>A (NM_001353193.2, NM_001136113.2, NM_007171.4 and 1 more transcripts); c.76+1G>A (NM_001374691.1, NM_001353195.2, NM_001374692.1 and 2 more transcripts); c.337+1G>A (NM_001353196.2); c.-29-1396G>A (NM_001374695.1); c.-710+1062G>A (NM_001411024.1); c.-30+1062G>A (NM_001353200.2).
Identifiers: ClinVar variation 1067618 (VCV001067618.9), dbSNP rs760071332, ClinGen allele CA5293261.